The following is an entry in ClinVar:

ClinVar aggregate classification (germline): Benign/Likely benign. Review status: criteria provided, multiple submitters, no conflicts (2 of 4 stars). 3 submissions from 3 submitters: Benign (1); Likely benign (1). 1 of the submissions does not count toward it. Last evaluated 2025-10-31.

Conditions:
CTDP1-related disorder. Also called: CTDP1-related condition.

Allele frequency attached by ClinVar (database versions not stated): gnomAD exomes 0.00025; ExAC 0.00026; 1000 Genomes Project 0.00040; 1000 Genomes Project 30x 0.00078; gnomAD 0.00091 and 0.00099; TOPMed 0.00099; ESP Exome Variant Server 0.00100.
gnomAD v4.1: 338 of 1,587,790 alleles (0.021%); highest among the groups gnomAD compares: African/African-American, 0.34%; no homozygotes.

Submissions (3):

Labcorp Genetics (formerly Invitae), Labcorp
Classification: Benign. Last evaluated: 2025-10-31. Review status: criteria provided, single submitter. Criteria: Invitae Variant Classification Sherloc (09022015). Collection method: clinical testing. Allele origin: germline.

Blueprint Genetics
Classification: Likely benign. Last evaluated: 2024-09-21. Review status: criteria provided, single submitter. Criteria: ACMG Guidelines, 2015. Collection method: clinical testing. Allele origin: germline.

PreventionGenetics, part of Exact Sciences
Classification: Likely benign for CTDP1-related condition. Last evaluated: 2019-05-02. Review status: no assertion criteria provided. Collection method: clinical testing. Allele origin: germline. Not counted in ClinVar's aggregate classification.
Comment: This variant is classified as likely benign based on ACMG/AMP sequence variant interpretation guidelines (Richards et al. 2015 PMID: 25741868, with internal and published modifications).

NM_004715.5(CTDP1):c.863+10C>T

Gene: CTDP1 (CTD phosphatase 1; plus strand). Cytogenetic location: 18q23.
Variant type: single nucleotide variant.
Coding change: c.863+10C>T on transcript NM_004715.5 (MANE Select); 10 bases into the intron after coding-DNA position 863, C replaced by T.
Molecular consequence: intron variant.
Genome position (GRCh38, 1-based): chr18:79,710,446, C>T. VCF-style: chr18-79710446-C-T. GRCh37 (hg19) VCF-style: chr18-77470446-C-T.
Other names: c.863+10C>T (NM_001318511.2, NM_048368.4); c.506+10C>T (NM_001202504.1).
Identifiers: ClinVar variation 736095 (VCV000736095.13), dbSNP rs375464090, ClinGen allele CA9010124.